The following is an entry in ClinVar:

ClinVar aggregate classification (germline): Conflicting classifications of pathogenicity. Review status: criteria provided, conflicting classifications (1 of 4 stars). 5 submissions from 4 submitters: Uncertain significance (3); Likely benign (2). Last evaluated 2026-01-11.

Conditions:
SPATA7-related disorder. Also called: SPATA7-related disorders; SPATA7-related condition. Identifiers: MedGen CN239422.
Leber congenital amaurosis 3 (LCA3). Also called: SPATA7-Related Retinitis Pigmentosa. Identifiers: MedGen C1858677, MONDO:0011415, OMIM 604232.
Retinitis pigmentosa (RP). Identifiers: Orphanet 791, MedGen C0035334, MeSH D012174, MONDO:0019200, OMIM 268000. Inheritance: Autosomal dominant, autosomal recessive and X linked inheritance.

Allele frequency attached by ClinVar (database versions not stated): ESP Exome Variant Server 0.00008; TOPMed 0.00010.
gnomAD v4.1: 132 of 1,613,478 alleles (0.0082%); highest among the groups gnomAD compares: Non-Finnish European, 0.01%; no homozygotes.

Submissions (5):

Labcorp Genetics (formerly Invitae), Labcorp
Classification: Likely benign for Leber congenital amaurosis 3. Last evaluated: 2026-01-11. Review status: criteria provided, single submitter. Criteria: Invitae Variant Classification Sherloc (09022015). Collection method: clinical testing. Allele origin: germline.

PreventionGenetics, part of Exact Sciences
Classification: Likely benign for SPATA7-related condition. Last evaluated: 2025-01-23. Review status: criteria provided, single submitter. Criteria: ACMG Guidelines, 2015. Collection method: clinical testing. Allele origin: germline.
Comment: This variant is classified as likely benign based on ACMG/AMP sequence variant interpretation guidelines (Richards et al. 2015 PMID: 25741868, with internal and published modifications).

Blueprint Genetics
Classification: Uncertain significance. Last evaluated: 2024-10-24. Review status: criteria provided, single submitter. Criteria: ACMG Guidelines, 2015. Collection method: clinical testing. Allele origin: germline.

Illumina Laboratory Services, Illumina
Classification: Uncertain significance for Retinitis pigmentosa. Last evaluated: 2018-01-13. Review status: criteria provided, single submitter. Criteria: ICSL Variant Classification Criteria 13 December 2019. Collection method: clinical testing. Allele origin: germline.

Illumina Laboratory Services, Illumina
Classification: Uncertain significance for Leber congenital amaurosis 3. Last evaluated: 2018-01-13. Review status: criteria provided, single submitter. Criteria: ICSL Variant Classification Criteria 13 December 2019. Collection method: clinical testing. Allele origin: germline.

NM_018418.5(SPATA7):c.57G>T (p.Pro19=)

Gene: SPATA7 (spermatogenesis associated 7; plus strand). Cytogenetic location: 14q31.3.
Variant type: single nucleotide variant.
Coding change: c.57G>T on transcript NM_018418.5 (MANE Select); coding-DNA position 57, G replaced by T.
Protein change: p.Pro19=; no amino-acid change (proline 19 retained).
Molecular consequence: synonymous variant.
Genome position (GRCh38, 1-based): chr14:88,391,418, G>T. VCF-style: chr14-88391418-G-T. GRCh37 (hg19) VCF-style: chr14-88857762-G-T.
Other names: c.57G>T, p.Pro19= (NM_001040428.4).
Identifiers: ClinVar variation 314775 (VCV000314775.17), dbSNP rs367830780, ClinGen allele CA7298357.